The following is an entry in ClinVar:

NM_001111125.3(IQSEC2):c.136_137delinsAC (p.Glu46Thr)

Gene: IQSEC2 (IQ motif and Sec7 domain ArfGEF 2; minus strand). Cytogenetic location: Xp11.22.
Variant type: Indel.
Coding change: c.136_137delinsAC on transcript NM_001111125.3 (MANE Select); coding-DNA positions 136 to 137, GA replaced by AC.
Protein change: p.Glu46Thr; replaces glutamic acid 46 with threonine.
Molecular consequence: missense variant.
Genome position (GRCh38, 1-based): chrX:53,320,987-53,320,988, TC replaced by GT on the plus strand (GA replaced by AC on the coding strand, the reverse complement: IQSEC2 is on the minus strand). VCF-style: chrX-53320987-TC-GT. GRCh37 (hg19) VCF-style: chrX-53350185-TC-GT.
Other names: c.136_137delinsAC, p.Glu46Thr (NM_001410736.1, NM_001441092.1); short protein forms E46T.
Identifiers: ClinVar variation 4975921 (VCV004975921.1).
Genomic context (GRCh38, chrX:53,320,987, plus strand): 5'-TGGCTCTCCTCTCGCAGGTCGCGGTTCTCCTGGGTGAGCTGGTCCAGCTGGCCCTCCAGC[TC>GT]CTCGATGCGCCGCCGCTGGGTTTCCAGCAGCTGCTGCTGGCTCTCGATGATGTTGTTCAG-3'
Protein context (NP_001104595.1, residues 36-56): LLETQRRRIE[Glu46Thr]LEGQLDQLTQ

ClinVar aggregate classification (germline): Uncertain significance (1 of 4 stars; one submission).

Submission:

GeneDx
Classification: Uncertain significance. Last evaluated: 2026-01-30. Review status: criteria provided, single submitter. Criteria: GeneDx Variant Classification Process June 2021. Collection method: clinical testing. Allele origin: germline.
Comment: Not observed at significant frequency in large population cohorts (gnomAD); In silico analysis supports a deleterious effect on protein structure/function; Has not been previously published as pathogenic or benign to our knowledge